The following is an entry in ClinVar:

NM_198576.4(AGRN):c.3760C>T (p.Pro1254Ser)

Gene: AGRN (agrin; plus strand). Cytogenetic location: 1p36.33.
Variant type: single nucleotide variant.
Coding change: c.3760C>T on transcript NM_198576.4 (MANE Select); coding-DNA position 3760, C replaced by T.
Protein change: p.Pro1254Ser; replaces proline 1254 with serine.
Molecular consequence: missense variant.
Genome position (GRCh38, 1-based): chr1:1,048,020, C>T. VCF-style: chr1-1048020-C-T. GRCh37 (hg19) VCF-style: chr1-983400-C-T.
Other names: c.3760C>T, p.Pro1254Ser (NM_001305275.2); c.3445C>T, p.Pro1149Ser (NM_001364727.2); short protein forms P1149S, P1254S.
Identifiers: ClinVar variation 1466826 (VCV001466826.6), dbSNP rs1207410103, ClinGen allele CA337852173.

ClinVar aggregate classification (germline): Uncertain significance (1 of 4 stars; one submission).

Conditions:
Congenital myasthenic syndrome 8. Also called: MYASTHENIC SYNDROME, CONGENITAL, DUE TO AGRIN DEFICIENCY; Myasthenic syndrome, congenital, 8, with pre- and postsynaptic defects. Identifiers: Orphanet 590, MedGen C3808739, MONDO:0014052, OMIM 615120.

Allele frequency attached by ClinVar (database versions not stated): gnomAD exomes below 0.00001.
gnomAD v4.1: 5 of 1,584,102 alleles (0.00032%); highest among the groups gnomAD compares: Non-Finnish European, 0.00043%; no homozygotes.

Submission:

Labcorp Genetics (formerly Invitae), Labcorp
Classification: Uncertain significance for Congenital myasthenic syndrome 8. Last evaluated: 2021-09-25. Review status: criteria provided, single submitter. Criteria: Invitae Variant Classification Sherloc (09022015). Collection method: clinical testing. Allele origin: germline.
Comment: In summary, the available evidence is currently insufficient to determine the role of this variant in disease. Therefore, it has been classified as a Variant of Uncertain Significance. Algorithms developed to predict the effect of missense changes on protein structure and function are either unavailable or do not agree on the potential impact of this missense change (SIFT: "Tolerated"; PolyPhen-2: "Probably Damaging"; Align-GVGD: "Class C0"). This variant has not been reported in the literature in individuals affected with AGRN-related conditions. This variant is not present in population databases (ExAC no frequency). This sequence change replaces proline with serine at codon 1254 of the AGRN protein (p.Pro1254Ser). The proline residue is moderately conserved and there is a moderate physicochemical difference between proline and serine.